The following is an entry in ClinVar:

ClinVar aggregate classification (germline): Pathogenic (1 of 4 stars; one submission).

Conditions:
Monogenic hearing loss.

Submission:

Genetics Laboratory, Great Ormond Street Hospital NHS Foundation Trust, North Thames Genomic Laboratory Hub
Classification: Pathogenic for Monogenic hearing loss. Last evaluated: 2026-08-15. Review status: criteria provided, single submitter. Criteria: ACGS Best Practice Guidelines for Variant Classification in Rare Disease 2024 v1.2. Collection method: clinical testing. Allele origin: germline. Affected: yes.
Comment: PM2_moderate, PVS1_very-strong

NM_000503.6(EYA1):c.1488_1501dup (p.Thr501delinsArgIlePheTer)

Gene: EYA1 (EYA transcriptional coactivator and phosphatase 1; minus strand). Cytogenetic location: 8q13.3.
Variant type: Duplication.
Coding change: c.1488_1501dup on transcript NM_000503.6 (MANE Select); coding-DNA positions 1488 to 1501, 14 bases duplicated (GAATATTTTAGTAA).
Protein change: p.Thr501delinsArgIlePheTer.
Molecular consequence: nonsense.
Genome position (GRCh38, 1-based): chr8:71,215,483-71,215,496, TTACTAAAATATTC duplicated on the plus strand (GAATATTTTAGTAA on the coding strand, the reverse complement: EYA1 is on the minus strand). VCF-style (leftmost placement, unchanged base first): chr8-71215482-G-GTTACTAAAATATTC. GRCh37 (hg19) VCF-style: chr8-72127717-G-GTTACTAAAATATTC.
Other names: c.1470_1483dup, p.Thr495delinsArgIlePheTer (NM_001288574.2, NM_172059.5); c.1122_1135dup, p.Thr379delinsArgIlePheTer (NM_001288575.2); c.1575_1588dup, p.Thr530delinsArgIlePheTer (NM_001370333.1); c.1488_1501dup, p.Thr501delinsArgIlePheTer (NM_001370334.1, NM_001370335.1, NM_172058.4); c.1467_1480dup, p.Thr494delinsArgIlePheTer (NM_001370336.1); c.1389_1402dup, p.Thr468delinsArgIlePheTer (NM_001411797.1, NM_172060.4).
Identifiers: ClinVar variation 5018487 (VCV005018487.1).